The following is an entry in ClinVar:

ClinVar aggregate classification (germline): Uncertain significance. Review status: criteria provided, multiple submitters, no conflicts (2 of 4 stars). 2 submissions from 2 submitters: Uncertain significance (2). Last evaluated 2026-10-01.

Conditions:
Autoimmune lymphoproliferative syndrome type 2B. Also called: AUTOIMMUNE LYMPHOPROLIFERATIVE SYNDROME, TYPE IIB. Identifiers: Orphanet 275517, MedGen C1846545, MONDO:0011804, OMIM 607271.

Allele frequency attached by ClinVar (database versions not stated): gnomAD 0.00005; ESP Exome Variant Server 0.00008; gnomAD exomes 0.00008 and 0.00005; TOPMed 0.00008; ExAC 0.00002.
gnomAD v4.1: 131 of 1,614,074 alleles (0.0081%); highest among the groups gnomAD compares: Non-Finnish European, 0.0095%; 1 homozygote.

Submissions (2):

St. Jude Molecular Pathology, St. Jude Children's Research Hospital
Classification: Uncertain significance for Autoimmune lymphoproliferative syndrome type 2B. Last evaluated: 2026-10-01. Review status: criteria provided, single submitter. Criteria: St. Jude Assertion Criteria 2020. Collection method: clinical testing. Allele origin: germline.
Comment: The CASP8 c.1220C>T p.(Thr407Met) missense change has a maximum subpopulation frequenc y of 0.0093% in gnomAD v2.1.1. The in silico tool REVEL predicts a benign effect on protein function, but to our knowledge this prediction has not been confirmed by functional studies. To our knowledge, this variant has not been reported in the literature in individuals with autoimmune lymphoproliferative syndrome with recurrent viral infections. In summary, the evidence currently available is insufficient to determine the clinical significance of this variant. It has therefore been classified as of uncertain significance.

Labcorp Genetics (formerly Invitae), Labcorp
Classification: Uncertain significance for Autoimmune lymphoproliferative syndrome type 2B. Last evaluated: 2022-06-23. Review status: criteria provided, single submitter. Criteria: Invitae Variant Classification Sherloc (09022015). Collection method: clinical testing. Allele origin: germline.
Comment: This sequence change replaces threonine, which is neutral and polar, with methionine, which is neutral and non-polar, at codon 407 of the CASP8 protein (p.Thr407Met). This variant is present in population databases (rs373673288, gnomAD 0.01%). This variant has not been reported in the literature in individuals affected with CASP8-related conditions. ClinVar contains an entry for this variant (Variation ID: 950414). Algorithms developed to predict the effect of missense changes on protein structure and function (SIFT, PolyPhen-2, Align-GVGD) all suggest that this variant is likely to be tolerated. In summary, the available evidence is currently insufficient to determine the role of this variant in disease. Therefore, it has been classified as a Variant of Uncertain Significance.

NM_001372051.1(CASP8):c.1169C>T (p.Thr390Met)

Gene: CASP8 (caspase 8; plus strand). Cytogenetic location: 2q33.1.
Variant type: single nucleotide variant.
Coding change: c.1169C>T on transcript NM_001372051.1 (MANE Select); coding-DNA position 1169, C replaced by T.
Protein change: p.Thr390Met; replaces threonine 390 with methionine.
Molecular consequence: missense variant. On other transcripts: non-coding transcript variant (22), intron variant (1).
Genome position (GRCh38, 1-based): chr2:201,285,182, C>T. VCF-style: chr2-201285182-C-T. GRCh37 (hg19) VCF-style: chr2-202149905-C-T.
Other names: c.1124C>T, p.Thr375Met (NM_001080124.2, NM_001400658.1, NM_001400659.1 and 5 more transcripts); c.1346C>T, p.Thr449Met (NM_001080125.2); c.1220C>T, p.Thr407Met (NM_001228.5); c.1100C>T, p.Thr367Met (NM_001400664.1); c.1094C>T, p.Thr365Met (NM_001400665.1); c.962C>T, p.Thr321Met (NM_001400666.1); c.527C>T, p.Thr176Met (NM_001400678.1, NM_001400751.1, NM_001400675.1 and 2 more transcripts); c.554C>T, p.Thr185Met (NM_001400680.1, NM_001400674.1); and 7 more; short protein forms T407M, T449M, T375M, T390M, T176M, T185M, T191M, T287M.
Identifiers: ClinVar variation 950414 (VCV000950414.8), dbSNP rs373673288, ClinGen allele CA2053761.